The following is an entry in ClinVar:

NM_016188.5(ACTL6B):c.694C>A (p.Pro232Thr)

Gene: ACTL6B (actin like 6B; minus strand). Cytogenetic location: 7q22.1.
Variant type: single nucleotide variant.
Coding change: c.694C>A on transcript NM_016188.5 (MANE Select); coding-DNA position 694, C replaced by A.
Protein change: p.Pro232Thr; replaces proline 232 with threonine.
Molecular consequence: missense variant. On other transcripts: non-coding transcript variant (1).
Genome position (GRCh38, 1-based): chr7:100,647,509, G>T on the plus strand (C>A on the coding strand, the complement: ACTL6B is on the minus strand). VCF-style: chr7-100647509-G-T. GRCh37 (hg19) VCF-style: chr7-100245132-G-T.
Other names: short protein forms P232T.
Identifiers: ClinVar variation 4881344 (VCV004881344.2).

ClinVar aggregate classification (germline): Uncertain significance (1 of 4 stars; one submission).

gnomAD v4.1: 18 of 1,607,882 alleles (0.0011%); highest among the groups gnomAD compares: Non-Finnish European, 0.0014%; no homozygotes.

Submission:

Dasa
Classification: Uncertain significance. Last evaluated: 2025-09-25. Review status: criteria provided, single submitter. Criteria: DASA Assertion Criteria. Collection method: clinical testing. Allele origin: germline.
Comment: NM_016188.5(ACTL6B):c.694C>A (p.Pro232Thr) is a missense variant that results in the substitution of proline with threonine. This variant is rare in population databases. Computational prediction algorithms are consistent with a deleterious effect. The currently available literature and clinical evidence are not sufficient to establish a definitive association between this variant and the reported condition. Therefore, this variant is classified as a variant of uncertain significance.